The following is an entry in ClinVar:

ClinVar aggregate classification (germline): Uncertain significance (1 of 4 stars; one submission).

Conditions:
Myoclonic dystonia 11 (DYT11). Also called: DYT-SGCE; Myoclonic dystonia; Dystonia 11; Dystonia, alcohol responsive; Hereditary essential myoclonus; SGCE Myoclonus-Dystonia. Identifiers: Orphanet 36899, MedGen C1834570, MONDO:0008044, OMIM 159900.

Submission:

Labcorp Genetics (formerly Invitae), Labcorp
Classification: Uncertain significance for Myoclonic dystonia 11. Last evaluated: 2022-03-29. Review status: criteria provided, single submitter. Criteria: Invitae Variant Classification Sherloc (09022015). Collection method: clinical testing. Allele origin: germline.
Comment: Algorithms developed to predict the effect of missense changes on protein structure and function are either unavailable or do not agree on the potential impact of this missense change (SIFT: "Tolerated"; PolyPhen-2: "Possibly Damaging"; Align-GVGD: "Class C0"). In summary, the available evidence is currently insufficient to determine the role of this variant in disease. Therefore, it has been classified as a Variant of Uncertain Significance. This variant has not been reported in the literature in individuals affected with SGCE-related conditions. This variant is not present in population databases (gnomAD no frequency). This sequence change replaces valine, which is neutral and non-polar, with leucine, which is neutral and non-polar, at codon 359 of the SGCE protein (p.Val359Leu).

NM_003919.3(SGCE):c.1075G>C (p.Val359Leu)

Genes: CASD1 (CAS1 domain sialic acid O acetyltransferase 1; plus strand), SGCE (sarcoglycan epsilon; minus strand). Cytogenetic location: 7q21.3.
Variant type: single nucleotide variant.
Coding change: c.1075G>C on transcript NM_003919.3 (MANE Select); coding-DNA position 1075, G replaced by C.
Protein change: p.Val359Leu; replaces valine 359 with leucine.
Molecular consequence: missense variant.
Genome position (GRCh38, 1-based): chr7:94,598,953, C>G on the plus strand (G>C on the coding strand, the complement: SGCE is on the minus strand). VCF-style: chr7-94598953-C-G. GRCh37 (hg19) VCF-style: chr7-94228265-C-G.
Other names: c.1048G>C, p.Val350Leu (NM_001099400.2, NM_001346717.2); c.1075G>C, p.Val359Leu (NM_001099401.2); c.952G>C, p.Val318Leu (NM_001301139.2); c.1183G>C, p.Val395Leu (NM_001346713.2); c.1156G>C, p.Val386Leu (NM_001346715.2); c.988G>C, p.Val330Leu (NM_001346719.2); c.802G>C, p.Val268Leu (NM_001346720.2); c.961G>C, p.Val321Leu (NM_001362807.2); and 2 more; short protein forms V321L, V350L, V259L, V268L, V309L, V359L, V386L, V318L.
Identifiers: ClinVar variation 2119617 (VCV002119617.4), dbSNP rs2484924397, ClinGen allele CA368229398.
Genomic context (GRCh38, chr7:94,598,953, plus strand): 5'-CTCTATTCTTGGACATGTCTCGAAGCTCCTTGGTAGATTTCTGAATAGCACTGTGATGGA[C>G]CAGTTGGATGCTAGGTCAAAAAGAAATAAAACAACATATATTTAAAATCATATATTAGCC-3'
Protein context (NP_003910.1, residues 349-369): RNMQTPDIQL[Val359Leu]HHSAIQKSTK